The following is an entry in ClinVar:

ClinVar aggregate classification (germline): Likely benign (1 of 4 stars; one submission).

Allele frequency attached by ClinVar (database versions not stated): gnomAD exomes 0.00012; ExAC 0.00018; 1000 Genomes Project 0.00020; 1000 Genomes Project 30x 0.00031; gnomAD 0.00032; TOPMed 0.00036; ESP Exome Variant Server 0.00040.
gnomAD v4.1: 215 of 1,609,102 alleles (0.013%); highest among the groups gnomAD compares: African/African-American, 0.073%; no homozygotes.

Submission:

CeGaT Center for Human Genetics Tuebingen
Classification: Likely benign. Last evaluated: 2022-10-01. Review status: criteria provided, single submitter. Criteria: CeGaT Center For Human Genetics Tuebingen Variant Classification Criteria Version 2. Collection method: clinical testing. Allele origin: germline. Affected: yes. Observed: 1 variant allele.
Comment: MYO9B: BP4, BP7

NM_004145.4(MYO9B):c.804C>T (p.Val268=)

Gene: MYO9B (myosin IXB; plus strand). Cytogenetic location: 19p13.11.
Variant type: single nucleotide variant.
Coding change: c.804C>T on transcript NM_004145.4 (MANE Select); coding-DNA position 804, C replaced by T.
Protein change: p.Val268=; no amino-acid change (valine 268 retained).
Molecular consequence: synonymous variant.
Genome position (GRCh38, 1-based): chr19:17,102,521, C>T. VCF-style: chr19-17102521-C-T. GRCh37 (hg19) VCF-style: chr19-17213331-C-T.
Other names: c.804C>T, p.Val268= (NM_001130065.2).
Identifiers: ClinVar variation 2649532 (VCV002649532.24), dbSNP rs373966303, ClinGen allele CA9287040.
Genomic context (GRCh38, chr19:17,102,521, plus strand): 5'-CACCAACTTCCTCATCCACTGCCTCACCGCCCTCAGCCAGAAGGGCTACGCCAGCGGCGT[C>T]GAGAGGACCATCCTGGGTGCTGGCCCTGTGCTGGAGGTGAGCGGGGAAGCTGGTCGGTCT-3'
Protein context (NP_004136.2, residues 258-278): ALSQKGYASG[Val268=]ERTILGAGPV